The following is an entry in ClinVar:

ClinVar aggregate classification (germline): Uncertain significance (1 of 4 stars; one submission).

Conditions:
Osteogenesis imperfecta type 7 (OI7). Also called: OSTEOGENESIS IMPERFECTA, TYPE IIB; Osteogenesis imperfecta type 2B; OI type 2B; Osteogenesis imperfecta, perinatal lethal autosomal recessive; OI type IIB; OI type 7. Identifiers: MedGen C1853162, MONDO:0012536, OMIM 610682.

gnomAD v4.1: 7 of 1,614,102 alleles (0.00043%); highest among the groups gnomAD compares: East Asian, 0.0045%; no homozygotes.

Submission:

Labcorp Genetics (formerly Invitae), Labcorp
Classification: Uncertain significance for Osteogenesis imperfecta type 7. Last evaluated: 2024-12-12. Review status: criteria provided, single submitter. Criteria: Invitae Variant Classification Sherloc (09022015). Collection method: clinical testing. Allele origin: germline.
Comment: This sequence change replaces glutamic acid, which is acidic and polar, with aspartic acid, which is acidic and polar, at codon 389 of the CRTAP protein (p.Glu389Asp). This variant is present in population databases (no rsID available, gnomAD 0.006%). This variant has not been reported in the literature in individuals affected with CRTAP-related conditions. Experimental studies and prediction algorithms are not available or were not evaluated, and the functional significance of this variant is currently unknown. In summary, the available evidence is currently insufficient to determine the role of this variant in disease. Therefore, it has been classified as a Variant of Uncertain Significance.

NM_006371.5(CRTAP):c.1167A>C (p.Glu389Asp)

Gene: CRTAP (cartilage associated protein; plus strand). Cytogenetic location: 3p22.3.
Variant type: single nucleotide variant.
Coding change: c.1167A>C on transcript NM_006371.5 (MANE Select); coding-DNA position 1167, A replaced by C.
Protein change: p.Glu389Asp; replaces glutamic acid 389 with aspartic acid.
Molecular consequence: missense variant.
Genome position (GRCh38, 1-based): chr3:33,142,409, A>C. VCF-style: chr3-33142409-A-C. GRCh37 (hg19) VCF-style: chr3-33183901-A-C.
Other names: c.1083A>C, p.Glu361Asp (NM_001393363.1); c.1038A>C, p.Glu346Asp (NM_001393364.1); c.1017A>C, p.Glu339Asp (NM_001393365.1); short protein forms E339D, E361D, E346D, E389D.
Identifiers: ClinVar variation 3668382 (VCV003668382.1).